The following is an entry in ClinVar:

ClinVar aggregate classification (germline): Uncertain significance (1 of 4 stars; one submission).

Conditions:
Inborn genetic diseases. Identifiers: MedGen C0950123, MeSH D030342.

Allele frequency attached by ClinVar (database versions not stated): gnomAD exomes below 0.00001.
gnomAD v4.1: 1 of 1,614,202 alleles (0.000062%); highest among the groups gnomAD compares: Non-Finnish European, 0.000085%; no homozygotes.

Submission:

Ambry Genetics
Classification: Uncertain significance for Inborn genetic diseases. Last evaluated: 2023-09-07. Review status: criteria provided, single submitter. Criteria: Ambry Variant Classification Scheme 2023. Collection method: clinical testing. Allele origin: germline.
Comment: The p.Y2046H variant (also known as c.6136T>C), located in coding exon 36 of the ATR gene, results from a T to C substitution at nucleotide position 6136. The tyrosine at codon 2046 is replaced by histidine, an amino acid with similar properties. This amino acid position is conserved. In addition, the in silico prediction for this alteration is inconclusive. Since supporting evidence is limited at this time, the clinical significance of this alteration remains unclear.

NM_001184.4(ATR):c.6136T>C (p.Tyr2046His)

Genes: ATR (ATR checkpoint kinase; minus strand), LOC126806830 (BRD4-independent group 4 enhancer GRCh37_chr3:142203676-142204875; plus strand). Cytogenetic location: 3q23.
Variant type: single nucleotide variant.
Coding change: c.6136T>C on transcript NM_001184.4 (MANE Select); coding-DNA position 6136, T replaced by C.
Protein change: p.Tyr2046His; replaces tyrosine 2046 with histidine.
Molecular consequence: missense variant.
Genome position (GRCh38, 1-based): chr3:142,485,225, A>G on the plus strand (T>C on the coding strand, the complement: ATR is on the minus strand). VCF-style: chr3-142485225-A-G. GRCh37 (hg19) VCF-style: chr3-142204067-A-G.
Other names: c.5944T>C, p.Tyr1982His (NM_001354579.2); short protein forms Y2046H, Y1982H.
Identifiers: ClinVar variation 2624942 (VCV002624942.2), dbSNP rs2108311309, ClinGen allele CA354809703.
Genomic context (GRCh38, chr3:142,485,225, plus strand): 5'-GGATGAGATCACCTTGCTTTTCCATTTTGTTGTCTGTGACCATGGGCATCAATTTGTCAT[A>G]GTACTTGGCAAGGTAAAAATGCCCATCCTCCCATTCTGGCAGGCACGCGGTCACATCCTA-3'
Protein context (NP_001175.2, residues 2036-2056): EDGHFYLAKY[Tyr2046His]DKLMPMVTDN